The following is an entry in ClinVar:

ClinVar aggregate classification (germline): Pathogenic. Review status: criteria provided, multiple submitters, no conflicts (2 of 4 stars). 2 submissions from 2 submitters: Pathogenic (2). Last evaluated 2024-06-07.

Conditions:
Mucopolysaccharidosis, MPS-II (MPS2). Also called: Hunter Syndrome; Mucopolysaccharidosis with skin involvement; Mucopolysaccharidosis type 2; IDURONATE 2-SULFATASE DEFICIENCY; Mucopolysaccharidosis Type II; IDS deficiency. Identifiers: Orphanet 580, Orphanet 79388, MedGen C0026705, MONDO:0010674, OMIM 309900.

Submissions (2):

Laboratory of Diagnosis and Therapy of Lysosomal Disorders, University of Padova
Classification: Pathogenic for Mucopolysaccharidosis, MPS-II. Last evaluated: 2024-06-07. Review status: criteria provided, single submitter. Criteria: ACMG Guidelines, 2015. Collection method: literature only. Allele origin: germline. Affected: yes. Observed: 1 variant allele.
Comment: Null variant (PVS1_VeryStrong), Absent from controls (or at low frequency) in gnomAD database (PM2_Moderate), Patient’s phenotype or family history highly specific for the disease (PP4_Moderate)

Classification method: ACMG Guidelines [PMID:25741868] with modifications

IIFP, CONICET-UNLP
Classification: Pathogenic for Mucopolysaccharidosis, MPS-II. Last evaluated: 2012-05-16. Review status: criteria provided, single submitter. Criteria: ACMG Guidelines, 2007. Collection method: research. Allele origin: de novo. Inheritance: X-linked inheritance. Affected: yes. Observed: 1 variant allele.

Literature cited by the submitters: PubMed 27896113 (cited by Laboratory of Diagnosis and Therapy of Lysosomal Disorders, University of Padova); DOI 10.1016/j.ymgmr.2014.08.006 (cited by IIFP, CONICET-UNLP).

NM_000202.8(IDS):c.22_37del (p.Arg8fs)

Genes: IDS (iduronate 2-sulfatase; minus strand), LOC130068781 (ATAC-STARR-seq lymphoblastoid active region 30015; plus strand). Cytogenetic location: Xq28.
Variant type: Deletion.
Coding change: c.22_37del on transcript NM_000202.8 (MANE Select); coding-DNA positions 22 to 37, 16 bases deleted (CGAGGCCTTCTCTGGC).
Protein change: p.Arg8fs; shifts the reading frame from arginine 8.
Molecular consequence: frameshift variant. On other transcripts: 5 prime UTR variant (1), non-coding transcript variant (1).
Genome position (GRCh38, 1-based): chrX:149,505,101-149,505,116, GCCAGAGAAGGCCTCG deleted on the plus strand (CGAGGCCTTCTCTGGC on the coding strand, the reverse complement: IDS is on the minus strand); deleting any 16 consecutive bases within chrX:149,505,101-149,505,119 gives the same sequence; the c. name uses the placement nearest the transcript's 3' end. VCF-style (leftmost placement, unchanged base first): chrX-149505100-AGCCAGAGAAGGCCTCG-A. GRCh37 (hg19) VCF-style: chrX-148586630-AGCCAGAGAAGGCCTCG-A.
Other names: c.-205_-190del (NM_001166550.4); c.22_37del, p.Arg8fs (NM_006123.5); short protein forms R8fs.
Identifiers: ClinVar variation 221215 (VCV000221215.4), dbSNP rs864622775, ClinGen allele CA350511.